The following is an entry in ClinVar:

NM_000094.4(COL7A1):c.5569-3T>C

Gene: COL7A1 (collagen type VII alpha 1 chain; minus strand). Cytogenetic location: 3p21.31.
Variant type: single nucleotide variant.
Coding change: c.5569-3T>C on transcript NM_000094.4 (MANE Select); 3 bases into the intron before coding-DNA position 5569, T replaced by C.
Molecular consequence: intron variant.
Genome position (GRCh38, 1-based): chr3:48,576,922, A>G on the plus strand (T>C on the coding strand, the complement: COL7A1 is on the minus strand). VCF-style: chr3-48576922-A-G. GRCh37 (hg19) VCF-style: chr3-48614355-A-G.
Identifiers: ClinVar variation 3646633 (VCV003646633.2).

ClinVar aggregate classification (germline): Uncertain significance (1 of 4 stars; one submission).

gnomAD v4.1: 1 of 1,613,926 alleles (0.000062%); highest among the groups gnomAD compares: Non-Finnish European, 0.000085%; no homozygotes.

Submission:

Labcorp Genetics (formerly Invitae), Labcorp
Classification: Uncertain significance. Last evaluated: 2025-06-05. Review status: criteria provided, single submitter. Criteria: Invitae Variant Classification Sherloc (09022015). Collection method: clinical testing. Allele origin: germline.
Comment: This sequence change falls in intron 65 of the COL7A1 gene. It does not directly change the encoded amino acid sequence of the COL7A1 protein. It affects a nucleotide within the consensus splice site. This variant is not present in population databases (gnomAD no frequency). This variant has not been reported in the literature in individuals affected with COL7A1-related conditions. ClinVar contains an entry for this variant (Variation ID: 3646633). Variants that disrupt the consensus splice site are a relatively common cause of aberrant splicing (PMID: 17576681, 9536098). Algorithms developed to predict the effect of sequence changes on RNA splicing suggest that this variant is not likely to affect RNA splicing. In summary, the available evidence is currently insufficient to determine the role of this variant in disease. Therefore, it has been classified as a Variant of Uncertain Significance.

Literature cited by the submitters: PubMed 17576681; PubMed 9536098.